The following is an entry in ClinVar:

NM_000452.3(SLC10A2):c.508G>A (p.Val170Ile)

Gene: SLC10A2 (solute carrier family 10 member 2; minus strand). Cytogenetic location: 13q33.1.
Variant type: single nucleotide variant.
Coding change: c.508G>A on transcript NM_000452.3 (MANE Select); coding-DNA position 508, G replaced by A.
Protein change: p.Val170Ile; replaces valine 170 with isoleucine.
Molecular consequence: missense variant.
Genome position (GRCh38, 1-based): chr13:103,052,697, C>T on the plus strand (G>A on the coding strand, the complement: SLC10A2 is on the minus strand). VCF-style: chr13-103052697-C-T. GRCh37 (hg19) VCF-style: chr13-103705047-C-T.
Other names: short protein forms V170I.
Identifiers: ClinVar variation 2797014 (VCV002797014.3), dbSNP rs765709171, ClinGen allele CA7042177.

ClinVar aggregate classification (germline): Uncertain significance (1 of 4 stars; one submission).

Allele frequency attached by ClinVar (database versions not stated): gnomAD 0.00003.
gnomAD v4.1: 51 of 1,601,080 alleles (0.0032%); highest among the groups gnomAD compares: Non-Finnish European, 0.0037%; no homozygotes.

Submission:

Labcorp Genetics (formerly Invitae), Labcorp
Classification: Uncertain significance. Last evaluated: 2025-10-07. Review status: criteria provided, single submitter. Criteria: Invitae Variant Classification Sherloc (09022015). Collection method: clinical testing. Allele origin: germline.
Comment: This sequence change replaces valine, which is neutral and non-polar, with isoleucine, which is neutral and non-polar, at codon 170 of the SLC10A2 protein (p.Val170Ile). This variant is present in population databases (rs765709171, gnomAD 0.004%). This variant has not been reported in the literature in individuals affected with SLC10A2-related conditions. ClinVar contains an entry for this variant (Variation ID: 2797014). Invitae Evidence Modeling of protein sequence and biophysical properties (such as structural, functional, and spatial information, amino acid conservation, physicochemical variation, residue mobility, and thermodynamic stability) indicates that this missense variant is not expected to disrupt SLC10A2 protein function with a negative predictive value of 80%. In summary, the available evidence is currently insufficient to determine the role of this variant in disease. Therefore, it has been classified as a Variant of Uncertain Significance.